The following is an entry in ClinVar:

ClinVar aggregate classification (germline): Pathogenic (1 of 4 stars; one submission).

Submission:

Labcorp Genetics (formerly Invitae), Labcorp
Classification: Pathogenic. Last evaluated: 2019-10-21. Review status: criteria provided, single submitter. Criteria: Invitae Variant Classification Sherloc (09022015). Collection method: clinical testing. Allele origin: germline.
Comment: This variant is not present in population databases (ExAC no frequency). Disruption of this splice site has been observed in individual(s) with achromatopsia (PMID: 28795510). In at least one individual the data is consistent with the variant being in trans (on the opposite chromosome) from a pathogenic variant. Donor and acceptor splice site variants typically lead to a loss of protein function (PMID: 16199547), and loss-of-function variants in CNGB3 are known to be pathogenic (PMID: 28795510). This sequence change affects an acceptor splice site in intron 9 of the CNGB3 gene. It is expected to disrupt RNA splicing and likely results in an absent or disrupted protein product. For these reasons, this variant has been classified as Pathogenic.

Literature cited by the submitters: PubMed 28795510; PubMed 16199547.

NM_019098.5(CNGB3):c.1056-2A>C

Gene: CNGB3 (cyclic nucleotide gated channel subunit beta 3; minus strand). Cytogenetic location: 8q21.3.
Variant type: single nucleotide variant.
Coding change: c.1056-2A>C on transcript NM_019098.5 (MANE Select); the canonical splice acceptor site of the intron before coding-DNA position 1056, A replaced by C.
Molecular consequence: splice acceptor variant.
Genome position (GRCh38, 1-based): chr8:86,643,875, T>G on the plus strand (A>C on the coding strand, the complement: CNGB3 is on the minus strand). VCF-style: chr8-86643875-T-G. GRCh37 (hg19) VCF-style: chr8-87656103-T-G.
Identifiers: ClinVar variation 965894 (VCV000965894.10), dbSNP rs1385347376, ClinGen allele CA371446977.
Genomic context (GRCh38, chr8:86,643,875, plus strand): 5'-AATAAACACAGGCATTAATGTGCAGAATAAACAGCAAGTATCCAGTTGTTCGAATAACTC[T>G]GTCAGAGAGAATAGATGCAAAGTAAGATTCATGTTGTTTCTGAAATACAGCCTATTTTAA-3'